The following is an entry in ClinVar:

ClinVar aggregate classification (germline): Likely benign (1 of 4 stars; one submission).

Submission:

CeGaT Center for Human Genetics Tuebingen
Classification: Likely benign. Last evaluated: 2022-05-01. Review status: criteria provided, single submitter. Criteria: CeGaT Center For Human Genetics Tuebingen Variant Classification Criteria Version 2. Collection method: clinical testing. Allele origin: germline. Affected: yes. Observed: 1 variant allele.
Comment: IFIH1: PM2:Supporting, BP4, BP7

NM_022168.4(IFIH1):c.1560T>C (p.Thr520=)

Gene: IFIH1 (interferon induced with helicase C domain 1; minus strand). Cytogenetic location: 2q24.2.
Variant type: single nucleotide variant.
Coding change: c.1560T>C on transcript NM_022168.4 (MANE Select); coding-DNA position 1560, T replaced by C.
Protein change: p.Thr520=; no amino-acid change (threonine 520 retained).
Molecular consequence: synonymous variant.
Genome position (GRCh38, 1-based): chr2:162,280,077, A>G on the plus strand (T>C on the coding strand, the complement: IFIH1 is on the minus strand). VCF-style: chr2-162280077-A-G. GRCh37 (hg19) VCF-style: chr2-163136587-A-G.
Identifiers: ClinVar variation 2651469 (VCV002651469.24), dbSNP rs2468962684, ClinGen allele CA429535317.